The following is an entry in ClinVar:

NM_001354640.2(CIROP):c.209G>A (p.Gly70Glu)

Gene: CIROP (ciliated left-right organizer metallopeptidase; minus strand). Cytogenetic location: 14q11.2.
Variant type: single nucleotide variant.
Coding change: c.209G>A on transcript NM_001354640.2 (MANE Select); coding-DNA position 209, G replaced by A.
Protein change: p.Gly70Glu; replaces glycine 70 with glutamic acid.
Molecular consequence: missense variant.
Genome position (GRCh38, 1-based): chr14:23,104,712, C>T on the plus strand (G>A on the coding strand, the complement: CIROP is on the minus strand). VCF-style: chr14-23104712-C-T. GRCh37 (hg19) VCF-style: chr14-23573921-C-T.
Other names: c.209G>A, p.Gly70Glu (NM_001402427.1); short protein forms G70E.
Identifiers: ClinVar variation 4820860 (VCV004820860.4).

ClinVar aggregate classification (germline): Likely benign (1 of 4 stars; one submission).

gnomAD v4.1: 3,476 of 702,934 alleles (0.49%); highest among the groups gnomAD compares: Non-Finnish European, 0.53%; 30 homozygotes.

Submission:

CeGaT Center for Human Genetics Tuebingen
Classification: Likely benign. Last evaluated: 2026-02-01. Review status: criteria provided, single submitter. Criteria: CeGaT Center For Human Genetics Tuebingen Variant Classification Criteria Version 2. Collection method: clinical testing. Allele origin: germline. Affected: yes. Observed: 1 variant allele.
Comment: CIROP: BS2